The following is an entry in ClinVar:

ClinVar aggregate classification (germline): Uncertain significance (1 of 4 stars; one submission).

Conditions:
Marfan syndrome (MFS). Also called: MARFAN SYNDROME, TYPE I; Marfan syndrome type 1; Marfan's syndrome; FBN1-Related Marfan Syndrome; Marfan syndrome, classic. Identifiers: Orphanet 284963, Orphanet 558, MedGen C0024796, MONDO:0007947, OMIM 154700.

Submission:

All of Us Research Program, National Institutes of Health
Classification: Uncertain significance for Marfan syndrome. Last evaluated: 2024-04-25. Review status: criteria provided, single submitter. Criteria: ACMG Guidelines, 2015. Collection method: clinical testing. Allele origin: germline. Inheritance: Autosomal dominant inheritance. Observed: 1 variant allele, 1 heterozygote.
Comment: This missense variant replaces isoleucine with asparagine at codon 2616 of the FBN1 protein. Computational prediction is inconclusive regarding the impact of this variant on protein structure and function (internally defined REVEL score threshold 0.5 < inconclusive < 0.7, PMID: 27666373). To our knowledge, functional studies have not been reported for this variant. This variant has not been reported in individuals affected with FBN1-related disorders in the literature. This variant has not been identified in the general population by the Genome Aggregation Database (gnomAD). The available evidence is insufficient to determine the role of this variant in disease conclusively. Therefore, this variant is classified as a Variant of Uncertain Significance.

This study involves interpretation of variants in research participants for the purpose of population health screening. Participant phenotype was not available at the time of variant classification. Additional details can be found in publication PMID: 35346344, PMCID: PMC8962531

NM_000138.5(FBN1):c.7847T>A (p.Ile2616Asn)

Gene: FBN1 (fibrillin 1; minus strand). Cytogenetic location: 15q21.1.
Variant type: single nucleotide variant.
Coding change: c.7847T>A on transcript NM_000138.5 (MANE Select); coding-DNA position 7847, T replaced by A.
Protein change: p.Ile2616Asn; replaces isoleucine 2616 with asparagine.
Molecular consequence: missense variant.
Genome position (GRCh38, 1-based): chr15:48,415,740, A>T on the plus strand (T>A on the coding strand, the complement: FBN1 is on the minus strand). VCF-style: chr15-48415740-A-T. GRCh37 (hg19) VCF-style: chr15-48707937-A-T.
Other names: c.7847T>A, p.Ile2616Asn (NM_001406716.1); short protein forms I2616N.
Identifiers: ClinVar variation 3386753 (VCV003386753.1).